The following is an entry in ClinVar:

ClinVar aggregate classification (germline): Uncertain significance. Review status: criteria provided, multiple submitters, no conflicts (2 of 4 stars). 2 submissions from 2 submitters: Uncertain significance (2). Last evaluated 2025-03-31.

Conditions:
Arrhythmogenic right ventricular dysplasia 12. Also called: ARRHYTHMOGENIC RIGHT VENTRICULAR DYSPLASIA, FAMILIAL, 12. Identifiers: MedGen C1969081, MONDO:0012684, OMIM 611528.
Naxos disease (NXD). Also called: PALMOPLANTAR KERATODERMA WITH ARRHYTHMOGENIC RIGHT VENTRICULAR CARDIOMYOPATHY AND WOOLLY HAIR; WOOLLY HAIR, PALMOPLANTAR KERATODERMA, AND CARDIAC ABNORMALITIES; CARDIOMYOPATHY, ARRHYTHMOGENIC RIGHT VENTRICULAR, WITH SKIN, HAIR, AND NAIL ABNORMALITIES; KERATOSIS PALMOPLANTARIS WITH ARRHYTHMOGENIC CARDIOMYOPATHY; MAL DE NAXOS. Identifiers: Orphanet 34217, MedGen C1832600, MONDO:0011017, OMIM 601214.
Cardiovascular phenotype. Identifiers: MedGen CN230736.

Allele frequency attached by ClinVar (database versions not stated): gnomAD exomes below 0.00001; ExAC 0.00001; gnomAD 0.00001; TOPMed 0.00001.
gnomAD v4.1: 3 of 1,613,990 alleles (0.00019%); highest among the groups gnomAD compares: African/African-American, 0.004%; no homozygotes.

Submissions (2):

Labcorp Genetics (formerly Invitae), Labcorp
Classification: Uncertain significance for Arrhythmogenic right ventricular dysplasia 12; Naxos disease. Last evaluated: 2025-03-31. Review status: criteria provided, single submitter. Criteria: Invitae Variant Classification Sherloc (09022015). Collection method: clinical testing. Allele origin: germline.
Comment: This sequence change replaces threonine, which is neutral and polar, with alanine, which is neutral and non-polar, at codon 54 of the JUP protein (p.Thr54Ala). This variant is present in population databases (rs781784933, gnomAD 0.008%). This variant has not been reported in the literature in individuals affected with JUP-related conditions. ClinVar contains an entry for this variant (Variation ID: 1510532). An algorithm developed to predict the effect of missense changes on protein structure and function (PolyPhen-2) suggests that this variant is likely to be tolerated. In summary, the available evidence is currently insufficient to determine the role of this variant in disease. Therefore, it has been classified as a Variant of Uncertain Significance.

Ambry Genetics
Classification: Uncertain significance for Cardiovascular phenotype. Last evaluated: 2025-02-15. Review status: criteria provided, single submitter. Criteria: Ambry Variant Classification Scheme 2023. Collection method: clinical testing. Allele origin: germline.
Comment: The p.T54A variant (also known as c.160A>G), located in coding exon 1 of the JUP gene, results from an A to G substitution at nucleotide position 160. The threonine at codon 54 is replaced by alanine, an amino acid with similar properties. This amino acid position is conserved. In addition, this alteration is predicted to be tolerated by in silico analysis. Based on the available evidence, the clinical significance of this variant remains unclear.

NM_002230.4(JUP):c.160A>G (p.Thr54Ala)

Gene: JUP (junction plakoglobin; minus strand). Cytogenetic location: 17q21.2.
Variant type: single nucleotide variant.
Coding change: c.160A>G on transcript NM_002230.4 (MANE Select); coding-DNA position 160, A replaced by G.
Protein change: p.Thr54Ala; replaces threonine 54 with alanine.
Molecular consequence: missense variant.
Genome position (GRCh38, 1-based): chr17:41,771,695, T>C on the plus strand (A>G on the coding strand, the complement: JUP is on the minus strand). VCF-style: chr17-41771695-T-C. GRCh37 (hg19) VCF-style: chr17-39927947-T-C.
Other names: c.160A>G, p.Thr54Ala (NM_001352773.2, NM_001352774.2, NM_001352775.2 and 3 more transcripts); c.160A>G (NM_002230.2); short protein forms T54A.
Identifiers: ClinVar variation 1510532 (VCV001510532.9), dbSNP rs781784933, ClinGen allele CA8565570.